The following is an entry in ClinVar:

NM_004369.4(COL6A3):c.4849G>T (p.Ala1617Ser)

Gene: COL6A3 (collagen type VI alpha 3 chain; minus strand). Cytogenetic location: 2q37.3.
Variant type: single nucleotide variant.
Coding change: c.4849G>T on transcript NM_004369.4 (MANE Select); coding-DNA position 4849, G replaced by T.
Protein change: p.Ala1617Ser; replaces alanine 1617 with serine.
Molecular consequence: missense variant.
Genome position (GRCh38, 1-based): chr2:237,368,614, C>A on the plus strand (G>T on the coding strand, the complement: COL6A3 is on the minus strand). VCF-style: chr2-237368614-C-A. GRCh37 (hg19) VCF-style: chr2-238277257-C-A.
Other names: c.3028G>T, p.Ala1010Ser (NM_057166.5); c.4231G>T, p.Ala1411Ser (NM_057167.4); short protein forms A1617S, A1010S, A1411S.
Identifiers: ClinVar variation 595829 (VCV000595829.9), dbSNP rs200433282, ClinGen allele CA351190796.

ClinVar aggregate classification (germline): Uncertain significance. Review status: criteria provided, multiple submitters, no conflicts (2 of 4 stars). 3 submissions from 3 submitters: Uncertain significance (3). Last evaluated 2024-05-20.

Conditions:
Bethlem myopathy 1A. Also called: Bethlem myopathy 1; Bethlem Muscular Dystrophy; MYOPATHY, BENIGN CONGENITAL, WITH CONTRACTURES. Identifiers: Orphanet 610, MedGen CN029274, MONDO:0024530, OMIM 158810.

Submissions (3):

Labcorp Genetics (formerly Invitae), Labcorp
Classification: Uncertain significance for Bethlem myopathy 1A. Last evaluated: 2024-05-20. Review status: criteria provided, single submitter. Criteria: Invitae Variant Classification Sherloc (09022015). Collection method: clinical testing. Allele origin: germline.
Comment: This sequence change replaces alanine, which is neutral and non-polar, with serine, which is neutral and polar, at codon 1617 of the COL6A3 protein (p.Ala1617Ser). This variant is not present in population databases (gnomAD no frequency). This variant has not been reported in the literature in individuals affected with COL6A3-related conditions. ClinVar contains an entry for this variant (Variation ID: 595829). Advanced modeling of protein sequence and biophysical properties (such as structural, functional, and spatial information, amino acid conservation, physicochemical variation, residue mobility, and thermodynamic stability) performed at Invitae indicates that this missense variant is not expected to disrupt COL6A3 protein function with a negative predictive value of 80%. In summary, the available evidence is currently insufficient to determine the role of this variant in disease. Therefore, it has been classified as a Variant of Uncertain Significance.

Eurofins Ntd Llc (ga)
Classification: Uncertain significance. Last evaluated: 2018-01-25. Review status: criteria provided, single submitter. Criteria: EGL Classification Definitions 2015. Collection method: clinical testing. Allele origin: germline. Observed: 1 variant allele, 1 heterozygote.

Blueprint Genetics
Classification: Uncertain significance. Last evaluated: 2017-09-25. Review status: criteria provided, single submitter. Criteria: ACMG Guidelines, 2015. Collection method: clinical testing. Allele origin: germline.